The following is an entry in ClinVar:

ClinVar aggregate classification (germline): Uncertain significance. Review status: criteria provided, multiple submitters, no conflicts (2 of 4 stars). 2 submissions from 2 submitters: Uncertain significance (2). Last evaluated 2025-01-21.

Conditions:
Hypertrophic cardiomyopathy. Also called: HYPERTROPHIC MYOCARDIOPATHY. Identifiers: Orphanet 217569, MedGen C0007194, MeSH D002312, MONDO:0005045, HP:0001639.

Allele frequency attached by ClinVar (database versions not stated): gnomAD exomes below 0.00001; ExAC 0.00001.
gnomAD v4.1: 2 of 1,613,442 alleles (0.00012%); highest among the groups gnomAD compares: Non-Finnish European, 0.00017%; no homozygotes.

Submissions (2):

Ambry Genetics
Classification: Uncertain significance. Last evaluated: 2025-01-21. Review status: criteria provided, single submitter. Criteria: Ambry Variant Classification Scheme 2023. Collection method: clinical testing. Allele origin: germline.
Comment: The p.E156D variant (also known as c.468A>T), located in coding exon 3 of the MYOM1 gene, results from an A to T substitution at nucleotide position 468. The glutamic acid at codon 156 is replaced by aspartic acid, an amino acid with highly similar properties. This amino acid position is conserved. In addition, this alteration is predicted to be tolerated by in silico analysis. Based on the available evidence, the clinical significance of this variant remains unclear.

Labcorp Genetics (formerly Invitae), Labcorp
Classification: Uncertain significance for Hypertrophic cardiomyopathy. Last evaluated: 2022-02-18. Review status: criteria provided, single submitter. Criteria: Invitae Variant Classification Sherloc (09022015). Collection method: clinical testing. Allele origin: germline.
Comment: This sequence change replaces glutamic acid, which is acidic and polar, with aspartic acid, which is acidic and polar, at codon 156 of the MYOM1 protein (p.Glu156Asp). This variant is present in population databases (rs768266477, gnomAD 0.0009%). This variant has not been reported in the literature in individuals affected with MYOM1-related conditions. Algorithms developed to predict the effect of missense changes on protein structure and function (SIFT, PolyPhen-2, Align-GVGD) all suggest that this variant is likely to be tolerated. In summary, the available evidence is currently insufficient to determine the role of this variant in disease. Therefore, it has been classified as a Variant of Uncertain Significance.

NM_003803.4(MYOM1):c.468A>T (p.Glu156Asp)

Gene: MYOM1 (myomesin 1; minus strand). Cytogenetic location: 18p11.31.
Variant type: single nucleotide variant.
Coding change: c.468A>T on transcript NM_003803.4 (MANE Select); coding-DNA position 468, A replaced by T.
Protein change: p.Glu156Asp; replaces glutamic acid 156 with aspartic acid.
Molecular consequence: missense variant.
Genome position (GRCh38, 1-based): chr18:3,189,051, T>A on the plus strand (A>T on the coding strand, the complement: MYOM1 is on the minus strand). VCF-style: chr18-3189051-T-A. GRCh37 (hg19) VCF-style: chr18-3189049-T-A.
Other names: c.468A>T, p.Glu156Asp (NM_019856.2); short protein forms E156D.
Identifiers: ClinVar variation 1980973 (VCV001980973.5), dbSNP rs768266477, ClinGen allele CA8875235.
Genomic context (GRCh38, chr18:3,189,051, plus strand): 5'-TTCCTCACTAGCAAGAAGATTCCTCTGGGCTATATAAGCAGCAGCTTCTTTAATTCTTTC[T>A]TCTTCCGTATCAGTAATTCCACTGACATGCTTTTGACTAAAACACAACAATGGCAAAATG-3'
Protein context (NP_003794.3, residues 146-166): KHVSGITDTE[Glu156Asp]ERIKEAAAYI